The following is an entry in ClinVar:

ClinVar aggregate classification (germline): Uncertain significance (1 of 4 stars; one submission).

Allele frequency attached by ClinVar (database versions not stated): TOPMed below 0.00001; gnomAD 0.00001; gnomAD exomes 0.00001.

Submission:

GeneDx
Classification: Uncertain significance. Last evaluated: 2017-10-16. Review status: criteria provided, single submitter. Criteria: GeneDx Variant Classification (06012015). Collection method: clinical testing. Allele origin: germline. Affected: yes.
Comment: The I1616V variant has not been published as a pathogenic variant, nor has it been reported as a benign variant to our knowledge. The I1616V variant is not observed in large population cohorts (Lek et al., 2016). This variant is a conservative amino acid substitution, which is not likely to impact secondary protein structure as these residues share similar properties. This substitution occurs at a position where amino acids with similar properties to Isoleucine are tolerated across species. In silico analysis predicts this variant likely does not alter the protein structure/function.

NM_001372044.2(SHANK3):c.5071A>G (p.Ile1691Val)

Gene: SHANK3 (SH3 and multiple ankyrin repeat domains 3; plus strand). Cytogenetic location: 22q13.33.
Variant type: single nucleotide variant.
Coding change: c.5071A>G on transcript NM_001372044.2 (MANE Select); coding-DNA position 5071, A replaced by G.
Protein change: p.Ile1691Val; replaces isoleucine 1691 with valine.
Molecular consequence: missense variant.
Genome position (GRCh38, 1-based): chr22:50,730,962, A>G. VCF-style: chr22-50730962-A-G. GRCh37 (hg19) VCF-style: chr22-51169390-A-G.
Other names: c.4846A>G, p.Ile1616Val (NM_033517.1); short protein forms I1616V, I1691V.
Identifiers: ClinVar variation 452821 (VCV000452821.2), dbSNP rs991616356, ClinGen allele CA325591043.